The following is an entry in ClinVar:

NM_000057.4(BLM):c.3436T>C (p.Phe1146Leu)

Gene: BLM (BLM RecQ like helicase; plus strand). Cytogenetic location: 15q26.1.
Variant type: single nucleotide variant.
Coding change: c.3436T>C on transcript NM_000057.4 (MANE Select); coding-DNA position 3436, T replaced by C.
Protein change: p.Phe1146Leu; replaces phenylalanine 1146 with leucine.
Molecular consequence: missense variant. On other transcripts: intron variant (1).
Genome position (GRCh38, 1-based): chr15:90,803,598, T>C. VCF-style: chr15-90803598-T-C. GRCh37 (hg19) VCF-style: chr15-91346828-T-C.
Other names: c.3436T>C, p.Phe1146Leu (NM_001287246.2); c.2311T>C, p.Phe771Leu (NM_001287248.2); c.3358+5261T>C (NM_001287247.2); short protein forms F1146L, F771L.
Identifiers: ClinVar variation 1944980 (VCV001944980.5), dbSNP rs2505547069, ClinGen allele CA393847587.
Genomic context (GRCh38, chr15:90,803,598, plus strand): 5'-ATCCAGTCAGGTATATTTGGAAAAGGATCTGCTTATTCACGACACAATGCCGAAAGACTT[T>C]TTAAAAAGCTGATACTTGACAAGATTTTGGATGAAGACTTATATATCAATGCCAATGACC-3'
Protein context (NP_000048.1, residues 1136-1156): AYSRHNAERL[Phe1146Leu]KKLILDKILD

ClinVar aggregate classification (germline): Uncertain significance (1 of 4 stars; one submission).

Conditions:
Bloom syndrome (BLM). Also called: Bloom-Torre-Machacek syndrome. Identifiers: Orphanet 125, MedGen C0005859, MONDO:0008876, OMIM 210900.

Submission:

Labcorp Genetics (formerly Invitae), Labcorp
Classification: Uncertain significance for Bloom syndrome. Last evaluated: 2022-10-21. Review status: criteria provided, single submitter. Criteria: Invitae Variant Classification Sherloc (09022015). Collection method: clinical testing. Allele origin: germline.
Comment: Advanced modeling of protein sequence and biophysical properties (such as structural, functional, and spatial information, amino acid conservation, physicochemical variation, residue mobility, and thermodynamic stability) performed at Invitae indicates that this missense variant is not expected to disrupt BLM protein function. In summary, the available evidence is currently insufficient to determine the role of this variant in disease. Therefore, it has been classified as a Variant of Uncertain Significance. This variant has not been reported in the literature in individuals affected with BLM-related conditions. This variant is not present in population databases (gnomAD no frequency). This sequence change replaces phenylalanine, which is neutral and non-polar, with leucine, which is neutral and non-polar, at codon 1146 of the BLM protein (p.Phe1146Leu).